The following is an entry in ClinVar:

ClinVar aggregate classification (germline): Uncertain significance (1 of 4 stars; one submission).

Conditions:
CEP290-related disorder. Also called: CEP290-related disorders; CEP290-related condition. Identifiers: MedGen CN239314.

gnomAD v4.1: 2 of 1,575,288 alleles (0.00013%); highest among the groups gnomAD compares: African/African-American, 0.0027%; no homozygotes.

Submission:

PreventionGenetics, part of Exact Sciences
Classification: Uncertain significance for CEP290-related condition. Last evaluated: 2026-09-24. Review status: criteria provided, single submitter. Criteria: ACMG Guidelines, 2015. Collection method: clinical testing. Allele origin: germline.
Comment: The CEP290 c.4302+3A>G variant is predicted to interfere with splicing. This variant is predicted to impact splicing based on a splicing prediction program (SpliceAI, Jaganathan K, et al. 2019. PubMed ID: 30661751). To our knowledge, this variant has not been reported in the literature or in a large population database (gnomAD), indicating this variant is rare. At this time, the clinical significance of this variant is uncertain due to the absence of conclusive functional and genetic evidence.

NM_025114.4(CEP290):c.4302+3A>G

Gene: CEP290 (centrosomal protein 290; minus strand). Cytogenetic location: 12q21.32.
Variant type: single nucleotide variant.
Coding change: c.4302+3A>G on transcript NM_025114.4 (MANE Select); 3 bases into the intron after coding-DNA position 4302, A replaced by G.
Molecular consequence: intron variant.
Genome position (GRCh38, 1-based): chr12:88,086,388, T>C on the plus strand (A>G on the coding strand, the complement: CEP290 is on the minus strand). VCF-style: chr12-88086388-T-C. GRCh37 (hg19) VCF-style: chr12-88480165-T-C.
Identifiers: ClinVar variation 4998414 (VCV004998414.1).